The following is an entry in ClinVar:

ClinVar aggregate classification (germline): Conflicting classifications of pathogenicity. Review status: criteria provided, conflicting classifications (1 of 4 stars). 2 submissions from 2 submitters: Uncertain significance (1); Likely benign (1). Last evaluated 2025-05-04.

Conditions:
Cardiovascular phenotype. Identifiers: MedGen CN230736.
Brugada syndrome 4 (BRGDA4). Identifiers: Orphanet 130, MedGen C2678477, MONDO:0012743, OMIM 611876.

Allele frequency attached by ClinVar (database versions not stated): TOPMed 0.00001.
gnomAD v4.1: 34 of 1,614,008 alleles (0.0021%); highest among the groups gnomAD compares: East Asian, 0.04%; no homozygotes.

Submissions (2):

Labcorp Genetics (formerly Invitae), Labcorp
Classification: Uncertain significance for Brugada syndrome 4. Last evaluated: 2025-05-04. Review status: criteria provided, single submitter. Criteria: Invitae Variant Classification Sherloc (09022015). Collection method: clinical testing. Allele origin: germline.
Comment: This sequence change replaces arginine, which is basic and polar, with cysteine, which is neutral and slightly polar, at codon 424 of the CACNB2 protein (p.Arg424Cys). This variant is present in population databases (rs551742573, gnomAD 0.03%). This variant has not been reported in the literature in individuals affected with CACNB2-related conditions. ClinVar contains an entry for this variant (Variation ID: 216845). Invitae Evidence Modeling of protein sequence and biophysical properties (such as structural, functional, and spatial information, amino acid conservation, physicochemical variation, residue mobility, and thermodynamic stability) indicates that this missense variant is not expected to disrupt CACNB2 protein function with a negative predictive value of 80%. In summary, the available evidence is currently insufficient to determine the role of this variant in disease. Therefore, it has been classified as a Variant of Uncertain Significance.

Ambry Genetics
Classification: Likely benign for Cardiovascular phenotype. Last evaluated: 2022-11-28. Review status: criteria provided, single submitter. Criteria: Ambry Variant Classification Scheme 2023. Collection method: clinical testing. Allele origin: germline.

NM_201596.3(CACNB2):c.1432C>T (p.Arg478Cys)

Gene: CACNB2 (calcium voltage-gated channel auxiliary subunit beta 2; plus strand). Cytogenetic location: 10p12.31.
Variant type: single nucleotide variant.
Coding change: c.1432C>T on transcript NM_201596.3 (MANE Select); coding-DNA position 1432, C replaced by T.
Protein change: p.Arg478Cys; replaces arginine 478 with cysteine.
Molecular consequence: missense variant.
Genome position (GRCh38, 1-based): chr10:18,538,309, C>T. VCF-style: chr10-18538309-C-T. GRCh37 (hg19) VCF-style: chr10-18827238-C-T.
Other names: c.1267C>T, p.Arg423Cys (NM_000724.4); c.1234C>T, p.Arg412Cys (NM_001167945.2); c.1153C>T, p.Arg385Cys (NM_001330060.2); c.1288C>T, p.Arg430Cys (NM_201570.3); c.1348C>T, p.Arg450Cys (NM_201571.4); c.1276C>T, p.Arg426Cys (NM_201572.4); c.1270C>T, p.Arg424Cys (NM_201590.3); c.1318C>T, p.Arg440Cys (NM_201593.3); and 1 more; short protein forms R424C, R478C, R454C, R423C, R430C, R440C, R385C, R426C.
Identifiers: ClinVar variation 216845 (VCV000216845.9), dbSNP rs551742573, ClinGen allele CA338146.